The following is an entry in ClinVar:

ClinVar aggregate classification (germline): Conflicting classifications of pathogenicity. Review status: criteria provided, conflicting classifications (1 of 4 stars). 2 submissions from 2 submitters: Uncertain significance (1); Likely benign (1). Last evaluated 2024-06-16.

Conditions:
Inborn genetic diseases. Identifiers: MedGen C0950123, MeSH D030342.

Allele frequency attached by ClinVar (database versions not stated): ExAC 0.00008; gnomAD exomes 0.00013; gnomAD 0.00015; TOPMed 0.00016; ESP Exome Variant Server 0.00038.
gnomAD v4.1: 213 of 1,613,996 alleles (0.013%); highest among the groups gnomAD compares: African/African-American, 0.029%; no homozygotes.

Submissions (2):

Ambry Genetics
Classification: Uncertain significance for Inborn genetic diseases. Last evaluated: 2024-06-16. Review status: criteria provided, single submitter. Criteria: Ambry Variant Classification Scheme 2023. Collection method: clinical testing. Allele origin: germline.

CeGaT Center for Human Genetics Tuebingen
Classification: Likely benign. Last evaluated: 2022-07-01. Review status: criteria provided, single submitter. Criteria: CeGaT Center For Human Genetics Tuebingen Variant Classification Criteria Version 2. Collection method: clinical testing. Allele origin: germline. Affected: yes. Observed: 1 variant allele.
Comment: TTC12: BP4

NM_017868.4(TTC12):c.1934C>T (p.Thr645Met)

Gene: TTC12 (tetratricopeptide repeat domain 12; plus strand). Cytogenetic location: 11q23.2.
Variant type: single nucleotide variant.
Coding change: c.1934C>T on transcript NM_017868.4 (MANE Select); coding-DNA position 1934, C replaced by T.
Protein change: p.Thr645Met; replaces threonine 645 with methionine.
Molecular consequence: missense variant. On other transcripts: non-coding transcript variant (3).
Genome position (GRCh38, 1-based): chr11:113,364,952, C>T. VCF-style: chr11-113364952-C-T. GRCh37 (hg19) VCF-style: chr11-113235674-C-T.
Other names: c.1952C>T, p.Thr651Met (NM_001318533.2); c.1859C>T, p.Thr620Met (NM_001352037.2); c.1937C>T, p.Thr646Met (NM_001378063.1); c.1934C>T, p.Thr645Met (NM_001378064.1, NM_001378065.1); short protein forms T645M, T646M, T651M, T620M.
Identifiers: ClinVar variation 2253431 (VCV002253431.27), dbSNP rs140600385, ClinGen allele CA6280352.